The following is an entry in ClinVar:

NM_012330.4(KAT6B):c.621+40C>A

Gene: KAT6B (lysine acetyltransferase 6B; plus strand). Cytogenetic location: 10q22.2.
Variant type: single nucleotide variant.
Coding change: c.621+40C>A on transcript NM_012330.4 (MANE Select); 40 bases into the intron after coding-DNA position 621, C replaced by A.
Molecular consequence: intron variant.
Genome position (GRCh38, 1-based): chr10:74,843,518, C>A. VCF-style: chr10-74843518-C-A. GRCh37 (hg19) VCF-style: chr10-76603276-C-A.
Other names: c.621+40C>A (NM_001370144.1, NM_001370142.1, NM_001370139.1 and 10 more transcripts); c.83+40C>A (NM_001370135.1, NM_001370134.1).
Identifiers: ClinVar variation 1230451 (VCV001230451.27), dbSNP rs148075179, ClinGen allele CA5564257.

ClinVar aggregate classification (germline): Benign. Review status: criteria provided, multiple submitters, no conflicts (2 of 4 stars). 2 submissions from 2 submitters: Benign (2). Last evaluated 2026-09-01.

Allele frequency attached by ClinVar (database versions not stated): 1000 Genomes Project 0.00220; 1000 Genomes Project 30x 0.00250; ESP Exome Variant Server 0.00338; gnomAD 0.00442 and 0.00459; TOPMed 0.00500; gnomAD exomes 0.00517.
gnomAD v4.1: 8,193 of 1,609,858 alleles (0.51%); highest among the groups gnomAD compares: Admixed American, 0.76%; 24 homozygotes.

Submissions (2):

CeGaT Center for Human Genetics Tuebingen
Classification: Benign. Last evaluated: 2026-09-01. Review status: criteria provided, single submitter. Criteria: CeGaT Center For Human Genetics Tuebingen Variant Classification Criteria Version 2. Collection method: clinical testing. Allele origin: germline. Affected: yes. Observed: 19 variant alleles.
Comment: KAT6B: BS1, BS2

GeneDx
Classification: Benign. Last evaluated: 2019-12-29. Review status: criteria provided, single submitter. Criteria: GeneDx Variant Classification Process June 2021. Collection method: clinical testing. Allele origin: germline. Affected: yes.